The following is an entry in ClinVar:

ClinVar aggregate classification (germline): Likely benign. Review status: criteria provided, multiple submitters, no conflicts (2 of 4 stars). 2 submissions from 2 submitters: Likely benign (2). Last evaluated 2025-04-12.

Conditions:
Inborn genetic diseases. Identifiers: MedGen C0950123, MeSH D030342.

Allele frequency attached by ClinVar (database versions not stated): gnomAD exomes 0.00011 and 0.00007; gnomAD 0.00001 and 0.00003; TOPMed 0.00001; ExAC 0.00009.
gnomAD v4.1: 110 of 1,612,402 alleles (0.0068%); highest among the groups gnomAD compares: South Asian, 0.099%; 1 homozygote.

Submissions (2):

Ambry Genetics
Classification: Likely benign for Inborn genetic diseases. Last evaluated: 2025-04-12. Review status: criteria provided, single submitter. Criteria: Ambry Variant Classification Scheme 2023. Collection method: clinical testing. Allele origin: germline.

GeneDx
Classification: Likely benign. Last evaluated: 2018-03-14. Review status: criteria provided, single submitter. Criteria: GeneDx Variant Classification (06012015). Collection method: clinical testing. Allele origin: germline. Affected: yes.
Comment: This variant is considered likely benign or benign based on one or more of the following criteria: it is a conservative change, it occurs at a poorly conserved position in the protein, it is predicted to be benign by multiple in silico algorithms, and/or has population frequency not consistent with disease.

NM_018136.5(ASPM):c.8555A>G (p.Tyr2852Cys)

Gene: ASPM (assembly factor for spindle microtubules; minus strand). Cytogenetic location: 1q31.3.
Variant type: single nucleotide variant.
Coding change: c.8555A>G on transcript NM_018136.5 (MANE Select); coding-DNA position 8555, A replaced by G.
Protein change: p.Tyr2852Cys; replaces tyrosine 2852 with cysteine.
Molecular consequence: missense variant. On other transcripts: intron variant (1).
Genome position (GRCh38, 1-based): chr1:197,100,696, T>C on the plus strand (A>G on the coding strand, the complement: ASPM is on the minus strand). VCF-style: chr1-197100696-T-C. GRCh37 (hg19) VCF-style: chr1-197069826-T-C.
Other names: c.4066-4532A>G (NM_001206846.2); short protein forms Y2852C.
Identifiers: ClinVar variation 680363 (VCV000680363.2), dbSNP rs758945213, ClinGen allele CA1309202.